The following is an entry in ClinVar:

NM_001122764.3(PPOX):c.62T>A (p.Leu21Gln)

Gene: PPOX (protoporphyrinogen oxidase; plus strand). Cytogenetic location: 1q23.3.
Variant type: single nucleotide variant.
Coding change: c.62T>A on transcript NM_001122764.3 (MANE Select); coding-DNA position 62, T replaced by A.
Protein change: p.Leu21Gln; replaces leucine 21 with glutamine.
Molecular consequence: missense variant. On other transcripts: 5 prime UTR variant (5).
Genome position (GRCh38, 1-based): chr1:161,166,909, T>A. VCF-style: chr1-161166909-T-A. GRCh37 (hg19) VCF-style: chr1-161136699-T-A.
Other names: c.62T>A, p.Leu21Gln (NM_000309.5, NM_001350128.2, NM_001365398.1 and 1 more transcripts); c.-366T>A (NM_001350129.2); c.-457T>A (NM_001350130.2); c.-343T>A (NM_001350131.2); c.-250T>A (NM_001365400.1); c.-309T>A (NM_001365401.1); short protein forms L21Q.
Identifiers: ClinVar variation 3376991 (VCV003376991.1).

ClinVar aggregate classification (germline): Uncertain significance (1 of 4 stars; one submission).

Conditions:
Variegate porphyria (VP). Also called: PORPHYRIA, SOUTH AFRICAN TYPE; PROTOPORPHYRINOGEN OXIDASE DEFICIENCY; PPOX DEFICIENCY. Identifiers: Orphanet 79473, MedGen C0162532, MONDO:0008297, OMIM 176200.

Submission:

Victorian Clinical Genetics Services, Murdoch Childrens Research Institute
Classification: Uncertain significance for Variegate porphyria. Last evaluated: 2024-10-10. Review status: criteria provided, single submitter. Criteria: ACMG Guidelines, 2015. Collection method: clinical testing. Allele origin: germline. Inheritance: Autosomal dominant inheritance. Affected: yes.
Comment: Based on the classification scheme VCGS_Germline_v1.3.4, this variant is classified as VUS-3A. Following criteria are met: 0102 - Loss of function is a known mechanism of disease in this gene and is associated with porphyria variegate (MIM#176200) and variegate porphyria, childhood-onset (MIM#620483). (I) 0108 - This gene is associated with both dominant and recessive disease. Biallelic variants cause severe, childhood-onset variegate porphyria (MIM#620483), whereas monoallelic variants result in adult onset variegate porphyria (MIM#176200) with variable penetrance (PMIDs: 23409300, 33159949). (I) 0112 - The condition associated with this gene has incomplete penetrance (PMIDs: 21910705, 23409300). (I) 0115 - Variants in this gene are known to have variable expressivity. In dominant disease, symptoms are more common in women, and acute manifestations are highly variable and can become chronic (PMID: 23409300). (I) 0200 - Variant is predicted to result in a missense amino acid change from leucine to glutamine. (I) 0251 - This variant is heterozygous. (I) 0301 - Variant is absent from gnomAD (v2, v3, and v4). (SP) 0501 - Missense variant consistently predicted to be damaging by multiple in silico tools or highly conserved with a major amino acid change. (SP) 0600 - Variant is located in the annotated amino-oxidase domain (DECIPHER). (I) 0705 - No comparable missense variants have previous evidence for pathogenicity. (I) 0807 - This variant has no previous evidence of pathogenicity. (I) 0905 - No published segregation evidence has been identified for this variant. (I) 1007 - No published functional evidence has been identified for this variant. (I) 1102 - Strong phenotype match for this individual. (SP) 1208 - Inheritance information for this variant is not currently available in this individual. (I) Legend: (SP) - Supporting pathogenic, (I) - Information, (SB) - Supporting benign

Literature cited by the submitters: PubMed 21910705; PubMed 23409300; PubMed 33159949.